The following is an entry in ClinVar:

Conditions:
Breast-ovarian cancer, familial, susceptibility to, 1 (BROVCA1). Also called: BRCA1 Hereditary Breast and Ovarian Cancer; OVARIAN CANCER, SUSCEPTIBILITY TO. Identifiers: Orphanet 145, MedGen C2676676, MONDO:0011450, OMIM 604370. Disease mechanism: loss of function.

Submission:

Brotman Baty Institute, University of Washington
No classification provided (evidence only). Condition: Breast-ovarian cancer, familial 1. Review status: no classification provided. Collection method: in vitro. Allele origin: not applicable. Functional consequence: functionally_normal.
ClinVar note: "not provided" was previously submitted as the classification for the variant. However, the classification appeared to be based only on an observation of functional data so it was converted to no classification on 2025-07-30.

NM_007294.4(BRCA1):c.5085T>G (p.Phe1695Leu)

Gene: BRCA1 (BRCA1 DNA repair associated; minus strand). Cytogenetic location: 17q21.31.
Variant type: single nucleotide variant.
Coding change: c.5085T>G on transcript NM_007294.4 (MANE Select); coding-DNA position 5085, T replaced by G.
Protein change: p.Phe1695Leu; replaces phenylalanine 1695 with leucine.
Molecular consequence: missense variant. On other transcripts: non-coding transcript variant (1).
Genome position (GRCh38, 1-based): chr17:43,063,941, A>C on the plus strand (T>G on the coding strand, the complement: BRCA1 is on the minus strand). VCF-style: chr17-43063941-A-C. GRCh37 (hg19) VCF-style: chr17-41215958-A-C.
Other names: c.4872T>G, p.Phe1624Leu (NM_001407571.1, NM_001407894.1, NM_001407895.1 and 12 more transcripts); c.5151T>G, p.Phe1717Leu (NM_001407581.1, NM_001407582.1); c.5148T>G, p.Phe1716Leu (NM_001407583.1, NM_001407585.1, NM_001407587.1 and 1 more transcripts); c.5145T>G, p.Phe1715Leu (NM_001407590.1, NM_001407591.1); c.5085T>G, p.Phe1695Leu (NM_001407593.1, NM_001407594.1, NM_001407596.1 and 7 more transcripts); c.5082T>G, p.Phe1694Leu (NM_001407618.1, NM_001407619.1, NM_001407620.1 and 17 more transcripts); c.5079T>G, p.Phe1693Leu (NM_001407637.1, NM_001407638.1, NM_001407639.1 and 14 more transcripts); c.5076T>G, p.Phe1692Leu (NM_001407644.1, NM_001407645.1); and 71 more; short protein forms F1648L, F1695L, F1716L, F591L, F1567L, F1625L, F1628L, F1647L.
Identifiers: ClinVar variation 869014 (VCV000869014.3), dbSNP rs80357387, ClinGen allele CA10591351.
Genomic context (GRCh38, chr17:43,063,941, plus strand): 5'-GCTAACTACCCATTTTCCTCCCGCAATTCCTAGAAAATATTTCAGTGTCCGTTCACACAC[A>C]AACTCAGCATCTGCAGAATGAAAAACACTCAAAGGATTAGAAGTTGAAAACAAAATCAGG-3'
Protein context (NP_009225.1, residues 1685-1705): THVVMKTDAE[Phe1695Leu]VCERTLKYFL